The following is an entry in ClinVar:

ClinVar aggregate classification (germline): Likely pathogenic. Review status: criteria provided, multiple submitters, no conflicts (2 of 4 stars). 2 submissions from 2 submitters: Likely pathogenic (2). Last evaluated 2024-07-11.

Conditions:
Leber congenital amaurosis (LCA). Also called: Leber's amaurosis. Identifiers: Orphanet 65, MedGen C0339527, MeSH D057130, MONDO:0018998.
Leber congenital amaurosis 8 (LCA8). Identifiers: Orphanet 65, MedGen C3151202, MONDO:0013453, OMIM 613835.

Submissions (2):

Natera, Inc.
Classification: Likely pathogenic for Leber congenital amaurosis. Last evaluated: 2024-07-11. Review status: criteria provided, single submitter. Criteria: Natera Variant Classification Schema (03/2026). Collection method: clinical testing. Allele origin: germline.
Comment: The c.2676+1G>A variant in CRB1 is a canonical splice donor site variant predicted to affect pre-mRNA splicing, which may result in an abnormal transcript and altered protein product. This variant is expected to result in nonsense mediated decay, truncation, or a dysfunctional protein product. This variant is rare in the general population with a frequency below the threshold expected for the associated phenotype(s). Given the available evidence, this variant is classified as Likely Pathogenic.

Baylor Genetics
Classification: Likely pathogenic for Leber congenital amaurosis 8. Last evaluated: 2023-03-27. Review status: criteria provided, single submitter. Criteria: ACMG Guidelines, 2015. Collection method: clinical testing. Allele origin: unknown.

NM_201253.3(CRB1):c.2676+1G>A

Gene: CRB1 (crumbs cell polarity complex component 1; plus strand). Cytogenetic location: 1q31.3.
Variant type: single nucleotide variant.
Coding change: c.2676+1G>A on transcript NM_201253.3 (MANE Select); the canonical splice donor site of the intron after coding-DNA position 2676, G replaced by A.
Molecular consequence: splice donor variant. On other transcripts: intron variant (1).
Genome position (GRCh38, 1-based): chr1:197,428,002, G>A. VCF-style: chr1-197428002-G-A. GRCh37 (hg19) VCF-style: chr1-197397132-G-A.
Other names: c.2469+1G>A (NM_001257965.2); c.2128+6046G>A (NM_001257966.2); c.2340+1G>A (NM_001193640.2); c.2676+1G>A (NM_201253.2).
Identifiers: ClinVar variation 2680981 (VCV002680981.2), dbSNP rs1664686689, ClinGen allele CA344038684.